The following is an entry in ClinVar:

NM_032492.4(JAGN1):c.336C>T (p.Ile112=)

Gene: JAGN1 (jagunal vesicle mediated transporter 1; plus strand). Cytogenetic location: 3p25.3.
Variant type: single nucleotide variant.
Coding change: c.336C>T on transcript NM_032492.4 (MANE Select); coding-DNA position 336, C replaced by T.
Protein change: p.Ile112=; no amino-acid change (isoleucine 112 retained).
Molecular consequence: synonymous variant.
Genome position (GRCh38, 1-based): chr3:9,893,161, C>T. VCF-style: chr3-9893161-C-T. GRCh37 (hg19) VCF-style: chr3-9934845-C-T.
Other names: p.Ile112=; c.336C>T (NM_032492.3); c.174C>T, p.Ile58= (NM_001363890.1).
Identifiers: ClinVar variation 1585047 (VCV001585047.12), dbSNP rs368122140, ClinGen allele CA2245873.
Genomic context (GRCh38, chr3:9,893,161, plus strand): 5'-TCCCCGCAACAACATTAGCTACCTGGTGCTCTCCATGATCAGCATGGGACTCTTTTCCAT[C>T]GCTCCACTCATTTATGGCAGCATGGAGATGTTCCCTGCTGCACAGCAGCTCTACCGCCAT-3'
Protein context (NP_115881.3, residues 102-122): LSMISMGLFS[Ile112=]APLIYGSMEM

ClinVar aggregate classification (germline): Benign/Likely benign. Review status: criteria provided, multiple submitters, no conflicts (2 of 4 stars). 4 submissions from 4 submitters: Benign (1); Likely benign (2). 1 of the submissions does not count toward it. Last evaluated 2025-09-17.

Conditions:
Autosomal recessive severe congenital neutropenia due to JAGN1 deficiency. Also called: Severe congenital neutropenia 6, autosomal recessive. Identifiers: Orphanet 423384, MedGen C4014954, MONDO:0014456, OMIM 616022.
JAGN1-related disorder. Also called: JAGN1-related condition.

Allele frequency attached by ClinVar (database versions not stated): TOPMed below 0.00001; gnomAD 0.00003 and 0.00005; ESP Exome Variant Server 0.00008; gnomAD exomes 0.00014 and 0.00027; 1000 Genomes Project 0.00040; ExAC 0.00040; 1000 Genomes Project 30x 0.00047.
gnomAD v4.1: 213 of 1,614,204 alleles (0.013%); highest among the groups gnomAD compares: South Asian, 0.2%; 2 homozygotes.

Submissions (4):

Mayo Clinic Laboratories, Mayo Clinic
Classification: Likely benign. Last evaluated: 2025-09-17. Review status: criteria provided, single submitter. Criteria: ACMG Guidelines, 2015. Collection method: clinical testing. Allele origin: germline. Observed: 1 variant allele.
Comment: BP4, BP7

Labcorp Genetics (formerly Invitae), Labcorp
Classification: Benign for Autosomal recessive severe congenital neutropenia due to JAGN1 deficiency. Last evaluated: 2025-05-19. Review status: criteria provided, single submitter. Criteria: Invitae Variant Classification Sherloc (09022015). Collection method: clinical testing. Allele origin: germline.

Blueprint Genetics
Classification: Likely benign. Last evaluated: 2024-11-26. Review status: criteria provided, single submitter. Criteria: ACMG Guidelines, 2015. Collection method: clinical testing. Allele origin: germline.

PreventionGenetics, part of Exact Sciences
Classification: Likely benign for JAGN1-related condition. Last evaluated: 2019-05-10. Review status: no assertion criteria provided. Collection method: clinical testing. Allele origin: germline. Not counted in ClinVar's aggregate classification.
Comment: This variant is classified as likely benign based on ACMG/AMP sequence variant interpretation guidelines (Richards et al. 2015 PMID: 25741868, with internal and published modifications).